The following is an entry in ClinVar:

ClinVar aggregate classification (germline): Uncertain significance (1 of 4 stars; one submission).

Conditions:
Familial cancer of breast. Also called: Hereditary breast cancer; hereditary breast carcinoma; BREAST CANCER, FAMILIAL. Identifiers: Orphanet 227535, MedGen C0346153, MONDO:0016419, OMIM 114480. Disease mechanism: loss of function.

Submission:

Labcorp Genetics (formerly Invitae), Labcorp
Classification: Uncertain significance for Familial cancer of breast. Last evaluated: 2024-04-29. Review status: criteria provided, single submitter. Criteria: Invitae Variant Classification Sherloc (09022015). Collection method: clinical testing. Allele origin: germline.
Comment: This sequence change replaces threonine, which is neutral and polar, with proline, which is neutral and non-polar, at codon 1015 of the PALB2 protein (p.Thr1015Pro). This variant is not present in population databases (gnomAD no frequency). This variant has not been reported in the literature in individuals affected with PALB2-related conditions. ClinVar contains an entry for this variant (Variation ID: 947626). Advanced modeling of protein sequence and biophysical properties (such as structural, functional, and spatial information, amino acid conservation, physicochemical variation, residue mobility, and thermodynamic stability) performed at Invitae indicates that this missense variant is expected to disrupt PALB2 protein function with a positive predictive value of 80%. In summary, the available evidence is currently insufficient to determine the role of this variant in disease. Therefore, it has been classified as a Variant of Uncertain Significance.

NM_024675.4(PALB2):c.3043A>C (p.Thr1015Pro)

Gene: PALB2 (partner and localizer of BRCA2; minus strand). Cytogenetic location: 16p12.2.
Variant type: single nucleotide variant.
Coding change: c.3043A>C on transcript NM_024675.4 (MANE Select); coding-DNA position 3043, A replaced by C.
Protein change: p.Thr1015Pro; replaces threonine 1015 with proline.
Molecular consequence: missense variant.
Genome position (GRCh38, 1-based): chr16:23,621,432, T>G on the plus strand (A>C on the coding strand, the complement: PALB2 is on the minus strand). VCF-style: chr16-23621432-T-G. GRCh37 (hg19) VCF-style: chr16-23632753-T-G.
Other names: short protein forms T1015P.
Identifiers: ClinVar variation 947626 (VCV000947626.10), dbSNP rs1966771031, ClinGen allele CA395143042.